The following is an entry in ClinVar:

ClinVar aggregate classification (germline): Likely benign (1 of 4 stars; one submission).

Conditions:
HYAL1-related disorder. Also called: HYAL1-related condition.

gnomAD v4.1: 5 of 1,613,926 alleles (0.00031%); highest among the groups gnomAD compares: Admixed American, 0.0067%; no homozygotes.

Submission:

PreventionGenetics, part of Exact Sciences
Classification: Likely benign for HYAL1-related condition. Last evaluated: 2025-07-31. Review status: criteria provided, single submitter. Criteria: ACMG Guidelines, 2015. Collection method: clinical testing. Allele origin: germline.
Comment: This variant is classified as likely benign based on ACMG/AMP sequence variant interpretation guidelines (Richards et al. 2015 PMID: 25741868, with internal and published modifications).

NM_033159.4(HYAL1):c.699G>T (p.Gly233=)

Gene: HYAL1 (hyaluronidase 1; minus strand). Cytogenetic location: 3p21.31.
Variant type: single nucleotide variant.
Coding change: c.699G>T on transcript NM_033159.4 (MANE Select); coding-DNA position 699, G replaced by T.
Protein change: p.Gly233=; no amino-acid change (glycine 233 retained).
Molecular consequence: synonymous variant. On other transcripts: non-coding transcript variant (1), intron variant (1).
Genome position (GRCh38, 1-based): chr3:50,302,258, C>A on the plus strand (G>T on the coding strand, the complement: HYAL1 is on the minus strand). VCF-style: chr3-50302258-C-A. GRCh37 (hg19) VCF-style: chr3-50339689-C-A.
Other names: c.699G>T, p.Gly233= (NM_153281.2, NM_153282.3); c.153G>T, p.Gly51= (NM_153283.3); c.-26-53G>T (NM_153285.3).
Identifiers: ClinVar variation 4987251 (VCV004987251.1).